The following is an entry in ClinVar:

ClinVar aggregate classification (germline): Uncertain significance. Review status: criteria provided, multiple submitters, no conflicts (2 of 4 stars). 4 submissions from 4 submitters: Uncertain significance (4). Last evaluated 2023-03-29.

Conditions:
Familial thoracic aortic aneurysm and aortic dissection (TAAD). Also called: Thoracic aortic aneurysms and dissections. Identifiers: Orphanet 91387, MedGen C4707243, MONDO:0019625.
Congenital contractural arachnodactyly (CCA). Also called: Beals-Hecht syndrome; BEALS SYNDROME; Arthrogryposis, distal, type 9. Identifiers: Orphanet 115, MedGen C0220668, MONDO:0007363, OMIM 121050.

Allele frequency attached by ClinVar (database versions not stated): gnomAD exomes below 0.00001; ExAC 0.00001.
gnomAD v4.1: 1 of 1,611,464 alleles (0.000062%); no homozygotes.

Submissions (4):

Labcorp Genetics (formerly Invitae), Labcorp
Classification: Uncertain significance for Congenital contractural arachnodactyly. Last evaluated: 2023-03-29. Review status: criteria provided, single submitter. Criteria: Invitae Variant Classification Sherloc (09022015). Collection method: clinical testing. Allele origin: germline.
Comment: In summary, the available evidence is currently insufficient to determine the role of this variant in disease. Therefore, it has been classified as a Variant of Uncertain Significance. Advanced modeling of protein sequence and biophysical properties (such as structural, functional, and spatial information, amino acid conservation, physicochemical variation, residue mobility, and thermodynamic stability) performed at Invitae indicates that this missense variant is expected to disrupt FBN2 protein function. ClinVar contains an entry for this variant (Variation ID: 213354). This variant has not been reported in the literature in individuals affected with FBN2-related conditions. This variant is present in population databases (rs764330020, gnomAD 0.0009%). This sequence change replaces glycine, which is neutral and non-polar, with alanine, which is neutral and non-polar, at codon 2352 of the FBN2 protein (p.Gly2352Ala).

Ambry Genetics
Classification: Uncertain significance for Familial thoracic aortic aneurysm and aortic dissection. Last evaluated: 2022-09-19. Review status: criteria provided, single submitter. Criteria: Ambry Variant Classification Scheme 2023. Collection method: clinical testing. Allele origin: germline.
Comment: The p.G2352A variant (also known as c.7055G>C), located in coding exon 56 of the FBN2 gene, results from a G to C substitution at nucleotide position 7055. The glycine at codon 2352 is replaced by alanine, an amino acid with similar properties. This amino acid position is highly conserved in available vertebrate species. In addition, this alteration is predicted to be deleterious by in silico analysis. Since supporting evidence is limited at this time, the clinical significance of this alteration remains unclear.

AiLife Diagnostics
Classification: Uncertain significance. Last evaluated: 2021-12-03. Review status: criteria provided, single submitter. Criteria: ACMG Guidelines, 2015. Collection method: clinical testing. Allele origin: germline. Affected: yes. Observed: 2 variant alleles.

GeneDx
Classification: Uncertain significance. Last evaluated: 2013-05-20. Review status: criteria provided, single submitter. Criteria: GeneDx Variant Classification (06012015). Collection method: clinical testing. Allele origin: germline. Affected: yes.
Comment: p.Gly2352Ala (GGA>GCA): c.7055 G>C in exon 56 of the FBN2 gene (NM_001999.3) The Gly2352Ala variant in the FBN2 gene has not been reported as a disease-causing mutation or as a benign polymorphism to our knowledge. Gly2352Ala results in a conservative amino acid substitution of one non-polar amino acid with another at a position that is conserved across species. In silico analysis predicts Gly2352Ala is damaging to the protein structure/function. The Gly2352Ala variant was not observed in approximately 6,500 individuals of European and African American ancestry in the NHLBI Exome Sequencing Project, indicating it is not a common benign variant in these populations. Nevertheless, no mutations in nearby codons have been reported in association with congenital contractural arachnodactyly, indicating this region of the protein may be tolerant of change. With the clinical and molecular information available at this time, we cannot definitively determine if Gly2352Ala is a disease-causing mutation or a rare benign variant.This variant was found in TAAD

NM_001999.4(FBN2):c.7055G>C (p.Gly2352Ala)

Gene: FBN2 (fibrillin 2; minus strand). Cytogenetic location: 5q23.3.
Variant type: single nucleotide variant.
Coding change: c.7055G>C on transcript NM_001999.4 (MANE Select); coding-DNA position 7055, G replaced by C.
Protein change: p.Gly2352Ala; replaces glycine 2352 with alanine.
Molecular consequence: missense variant.
Genome position (GRCh38, 1-based): chr5:128,280,275, C>G on the plus strand (G>C on the coding strand, the complement: FBN2 is on the minus strand). VCF-style: chr5-128280275-C-G. GRCh37 (hg19) VCF-style: chr5-127615967-C-G.
Other names: short protein forms G2352A.
Identifiers: ClinVar variation 213354 (VCV000213354.8), dbSNP rs764330020, ClinGen allele CA323836.